The following is an entry in ClinVar:

ClinVar aggregate classification (germline): Pathogenic (1 of 4 stars; one submission).

Conditions:
Tyrosinase-positive oculocutaneous albinism (OCA2). Also called: ALBINISM II; Oculocutaneous albinism type 2; Albinism, oculocutaneous, type II. Identifiers: Orphanet 79432, MedGen C0268495, MONDO:0008746, OMIM 203200.

Submission:

Myriad Genetics, Inc.
Classification: Pathogenic for Tyrosinase-positive oculocutaneous albinism. Last evaluated: 2026-01-21. Review status: criteria provided, single submitter. Criteria: Myriad Autosomal Dominant, Autosomal Recessive and X-Linked Classification Criteria (2023). Collection method: clinical testing. Allele origin: unknown.
Comment: NM_000275.2(OCA2):c.1463delC(P488Qfs*11) is expected to be pathogenic in the context of oculocutaneous albinism, OCA2-related. This variant is predicted to lead to an abnormal or absent protein product due to the creation of a premature termination codon in OCA2, a gene where loss-of-function variants are known to be pathogenic. Please note: this variant was assessed in the context of healthy population screening.

NM_000275.3(OCA2):c.1463del (p.Pro488fs)

Gene: OCA2 (OCA2 melanosomal transmembrane protein; minus strand). Cytogenetic location: 15q13.1.
Variant type: Deletion.
Coding change: c.1463del on transcript NM_000275.3 (MANE Select); coding-DNA position 1463, one base deleted (C; older notation c.1463delC).
Protein change: p.Pro488fs; shifts the reading frame from proline 488.
Molecular consequence: frameshift variant.
Genome position (GRCh38, 1-based): chr15:27,983,385, G deleted on the plus strand (C on the coding strand, the reverse complement: OCA2 is on the minus strand); the first of 2 consecutive G bases (chr15:27,983,385-27,983,386); deleting either gives the same sequence. VCF-style (leftmost placement, unchanged base first): chr15-27983384-TG-T. GRCh37 (hg19) VCF-style: chr15-28228530-TG-T.
Other names: c.1391del, p.Pro464fs (NM_001300984.2); short protein forms P464fs, P488fs.
Identifiers: ClinVar variation 5015461 (VCV005015461.1).